The following is an entry in ClinVar:

ClinVar aggregate classification (germline): Uncertain significance (1 of 4 stars; one submission).

Conditions:
Hypertrophic cardiomyopathy. Also called: HYPERTROPHIC MYOCARDIOPATHY. Identifiers: Orphanet 217569, MedGen C0007194, MeSH D002312, MONDO:0005045, HP:0001639.

Allele frequency attached by ClinVar (database versions not stated): gnomAD exomes below 0.00001.
gnomAD v4.1: 1 of 1,614,244 alleles (0.000062%); highest among the groups gnomAD compares: East Asian, 0.0022%; no homozygotes.

Submission:

Labcorp Genetics (formerly Invitae), Labcorp
Classification: Uncertain significance for Hypertrophic cardiomyopathy. Last evaluated: 2021-10-26. Review status: criteria provided, single submitter. Criteria: Invitae Variant Classification Sherloc (09022015). Collection method: clinical testing. Allele origin: germline.
Comment: This sequence change replaces serine, which is neutral and polar, with phenylalanine, which is neutral and non-polar, at codon 1735 of the MYH7 protein (p.Ser1735Phe). This variant is present in population databases (no rsID available, gnomAD 0.006%). This variant has not been reported in the literature in individuals affected with MYH7-related conditions. Algorithms developed to predict the effect of missense changes on protein structure and function are either unavailable or do not agree on the potential impact of this missense change (SIFT: "Deleterious"; PolyPhen-2: "Possibly Damaging"; Align-GVGD: "Class C0"). In summary, the available evidence is currently insufficient to determine the role of this variant in disease. Therefore, it has been classified as a Variant of Uncertain Significance.

NM_000257.4(MYH7):c.5204C>T (p.Ser1735Phe)

Genes: MHRT (myosin heavy chain associated RNA transcript; plus strand), MYH7 (myosin heavy chain 7; minus strand), LOC126861897 (BRD4-independent group 4 enhancer GRCh37_chr14:23884455-23885654; plus strand). Cytogenetic location: 14q11.2.
Variant type: single nucleotide variant.
Coding change: c.5204C>T on transcript NM_000257.4 (MANE Select); coding-DNA position 5204, C replaced by T.
Protein change: p.Ser1735Phe; replaces serine 1735 with phenylalanine.
Molecular consequence: missense variant. On other transcripts: non-coding transcript variant (1).
Genome position (GRCh38, 1-based): chr14:23,415,460, G>A on the plus strand (C>T on the coding strand, the complement: MYH7 is on the minus strand). VCF-style: chr14-23415460-G-A. GRCh37 (hg19) VCF-style: chr14-23884669-G-A.
Other names: short protein forms S1735F.
Identifiers: ClinVar variation 1438611 (VCV001438611.6), dbSNP rs1251170415, ClinGen allele CA389036725.